The following is an entry in ClinVar:

ClinVar aggregate classification (germline): Conflicting classifications of pathogenicity. Review status: criteria provided, conflicting classifications (1 of 4 stars). 3 submissions from 3 submitters: Uncertain significance (2); Likely benign (1). Last evaluated 2026-01-05.

Conditions:
Inborn genetic diseases. Identifiers: MedGen C0950123, MeSH D030342.
Norman-Roberts syndrome (LIS2). Also called: Lissencephaly 2 (Norman-Roberts type). Identifiers: Orphanet 89844, MedGen C0796089, MONDO:0009760, OMIM 257320.
Familial temporal lobe epilepsy 7. Identifiers: Orphanet 101046, MedGen C4225327, MONDO:0014639, OMIM 616436.

Allele frequency attached by ClinVar (database versions not stated): gnomAD exomes 0.00001; ExAC 0.00002; TOPMed 0.00004; gnomAD 0.00006; 1000 Genomes Project 30x 0.00016; 1000 Genomes Project 0.00020.
gnomAD v4.1: 23 of 1,613,922 alleles (0.0014%); highest among the groups gnomAD compares: African/African-American, 0.027%; no homozygotes.

Submissions (3):

Labcorp Genetics (formerly Invitae), Labcorp
Classification: Likely benign for Familial temporal lobe epilepsy 7; Norman-Roberts syndrome. Last evaluated: 2026-01-05. Review status: criteria provided, single submitter. Criteria: Invitae Variant Classification Sherloc (09022015). Collection method: clinical testing. Allele origin: germline.

Ambry Genetics
Classification: Uncertain significance for Inborn genetic diseases. Last evaluated: 2021-09-27. Review status: criteria provided, single submitter. Criteria: Ambry Variant Classification Scheme 2023. Collection method: clinical testing. Allele origin: germline.

Baylor Genetics
Classification: Uncertain significance for Norman-Roberts syndrome. Last evaluated: 2019-04-15. Review status: criteria provided, single submitter. Criteria: ACMG Guidelines, 2015. Collection method: clinical testing. Allele origin: maternal. Affected: yes.
Comment: This variant was determined to be of uncertain significance according to ACMG Guidelines, 2015 [PMID:25741868].

NM_005045.4(RELN):c.3191C>G (p.Ala1064Gly)

Gene: RELN (reelin; minus strand). Cytogenetic location: 7q22.1.
Variant type: single nucleotide variant.
Coding change: c.3191C>G on transcript NM_005045.4 (MANE Select); coding-DNA position 3191, C replaced by G.
Protein change: p.Ala1064Gly; replaces alanine 1064 with glycine.
Molecular consequence: missense variant.
Genome position (GRCh38, 1-based): chr7:103,603,446, G>C on the plus strand (C>G on the coding strand, the complement: RELN is on the minus strand). VCF-style: chr7-103603446-G-C. GRCh37 (hg19) VCF-style: chr7-103243893-G-C.
Other names: c.3191C>G, p.Ala1064Gly (NM_173054.3); short protein forms A1064G.
Identifiers: ClinVar variation 967859 (VCV000967859.10), dbSNP rs565236668, ClinGen allele CA4421817.